The following is an entry in ClinVar:

NM_001365999.1(SZT2):c.6508+1G>T

Gene: SZT2 (SZT2 subunit of KICSTOR complex; plus strand). Cytogenetic location: 1p34.2.
Variant type: single nucleotide variant.
Coding change: c.6508+1G>T on transcript NM_001365999.1 (MANE Select); the canonical splice donor site of the intron after coding-DNA position 6508, G replaced by T.
Molecular consequence: splice donor variant.
Genome position (GRCh38, 1-based): chr1:43,437,903, G>T. VCF-style: chr1-43437903-G-T. GRCh37 (hg19) VCF-style: chr1-43903574-G-T.
Other names: c.6337+1G>T (NM_015284.4).
Identifiers: ClinVar variation 2865491 (VCV002865491.3), dbSNP rs2545842119, ClinGen allele CA340029982.

ClinVar aggregate classification (germline): Likely pathogenic (1 of 4 stars; one submission).

Allele frequency attached by ClinVar (database versions not stated): gnomAD exomes below 0.00001.
gnomAD v4.1: 3 of 1,614,154 alleles (0.00019%); highest among the groups gnomAD compares: Non-Finnish European, 0.00025%; no homozygotes.

Submission:

Labcorp Genetics (formerly Invitae), Labcorp
Classification: Likely pathogenic. Last evaluated: 2024-10-31. Review status: criteria provided, single submitter. Criteria: Invitae Variant Classification Sherloc (09022015). Collection method: clinical testing. Allele origin: germline.
Comment: This sequence change affects a donor splice site in intron 45 of the SZT2 gene. It is expected to disrupt RNA splicing. Variants that disrupt the donor or acceptor splice site typically lead to a loss of protein function (PMID: 16199547), and loss-of-function variants in SZT2 are known to be pathogenic (PMID: 23932106, 27248490, 28556953). This variant is not present in population databases (gnomAD no frequency). This variant has not been reported in the literature in individuals affected with SZT2-related conditions. ClinVar contains an entry for this variant (Variation ID: 2865491). Algorithms developed to predict the effect of sequence changes on RNA splicing suggest that this variant may disrupt the consensus splice site. In summary, the currently available evidence indicates that the variant is pathogenic, but additional data are needed to prove that conclusively. Therefore, this variant has been classified as Likely Pathogenic.

Literature cited by the submitters: PubMed 16199547; PubMed 23932106; PubMed 27248490; PubMed 28556953.